The following is an entry in ClinVar:

ClinVar aggregate classification (germline): Uncertain significance (1 of 4 stars; one submission).

Allele frequency attached by ClinVar (database versions not stated): ExAC 0.00001.
gnomAD v4.1: 1 of 1,614,160 alleles (0.000062%); highest among the groups gnomAD compares: East Asian, 0.0022%; no homozygotes.

Submission:

Ambry Genetics
Classification: Uncertain significance. Last evaluated: 2024-04-05. Review status: criteria provided, single submitter. Criteria: Ambry Variant Classification Scheme 2023. Collection method: clinical testing. Allele origin: germline.
Comment: The p.A1551V variant (also known as c.4652C>T), located in coding exon 4 of the ALPK2 gene, results from a C to T substitution at nucleotide position 4652. The alanine at codon 1551 is replaced by valine, an amino acid with similar properties. This amino acid position is conserved. In addition, this alteration is predicted to be tolerated by in silico analysis. Since supporting evidence is limited at this time, the clinical significance of this alteration remains unclear.

NM_052947.4(ALPK2):c.4652C>T (p.Ala1551Val)

Genes: ALPK2 (alpha kinase 2; minus strand), LOC126862764 (BRD4-independent group 4 enhancer GRCh37_chr18:56202574-56203773; plus strand). Cytogenetic location: 18q21.31.
Variant type: single nucleotide variant.
Coding change: c.4652C>T on transcript NM_052947.4 (MANE Select); coding-DNA position 4652, C replaced by T.
Protein change: p.Ala1551Val; replaces alanine 1551 with valine.
Molecular consequence: missense variant.
Genome position (GRCh38, 1-based): chr18:58,535,535, G>A on the plus strand (C>T on the coding strand, the complement: ALPK2 is on the minus strand). VCF-style: chr18-58535535-G-A. GRCh37 (hg19) VCF-style: chr18-56202767-G-A.
Other names: short protein forms A1551V.
Identifiers: ClinVar variation 1742194 (VCV001742194.3), dbSNP rs750960307, ClinGen allele CA8976664.